The following is an entry in ClinVar:

ClinVar aggregate classification (germline): Uncertain significance (1 of 4 stars; one submission).

Conditions:
Mitochondrial hypertrophic cardiomyopathy with lactic acidosis due to MTO1 deficiency. Also called: Combined oxidative phosphorylation deficiency 10; CARDIOMYOPATHY, INFANTILE HYPERTROPHIC MITOCHONDRIAL, AND LACTIC ACIDOSIS. Identifiers: Orphanet 314637, MedGen C4749921, MONDO:0013865, OMIM 614702.

Submission:

Labcorp Genetics (formerly Invitae), Labcorp
Classification: Uncertain significance for Mitochondrial hypertrophic cardiomyopathy with lactic acidosis due to MTO1 deficiency. Last evaluated: 2022-06-13. Review status: criteria provided, single submitter. Criteria: Invitae Variant Classification Sherloc (09022015). Collection method: clinical testing. Allele origin: germline.
Comment: This variant is a gross deletion of the genomic region encompassing exon(s) 10-12 of the MTO1 gene, which includes the termination codon. This deletion extends beyond the assayed region for this gene and therefore may encompass additional genes. While this deletion is not anticipated to lead to nonsense mediated decay, it is expected to alter mRNA translation or result in a truncated protein product. This variant has not been reported in the literature in individuals affected with MTO1-related conditions. In summary, the available evidence is currently insufficient to determine the role of this variant in disease. Therefore, it has been classified as a Variant of Uncertain Significance.

NC_000006.11:g.(?_74201937)_(74210458_?)del

Gene: MTO1 (mitochondrial tRNA translation optimization 1; plus strand). Cytogenetic location: 6q13.
Variant type: Deletion.
Identifiers: ClinVar variation 2425761 (VCV002425761.3).